The following is an entry in ClinVar:

NM_014915.3(ANKRD26):c.1164C>A (p.Asp388Glu)

Gene: ANKRD26 (ankyrin repeat domain containing 26; minus strand). Cytogenetic location: 10p12.1.
Variant type: single nucleotide variant.
Coding change: c.1164C>A on transcript NM_014915.3 (MANE Select); coding-DNA position 1164, C replaced by A.
Protein change: p.Asp388Glu; replaces aspartic acid 388 with glutamic acid.
Molecular consequence: missense variant.
Genome position (GRCh38, 1-based): chr10:27,067,200, G>T on the plus strand (C>A on the coding strand, the complement: ANKRD26 is on the minus strand). VCF-style: chr10-27067200-G-T. GRCh37 (hg19) VCF-style: chr10-27356129-G-T.
Other names: c.1164C>A, p.Asp388Glu (NM_001256053.2); short protein forms D388E.
Identifiers: ClinVar variation 3913532 (VCV003913532.1).

ClinVar aggregate classification (germline): Uncertain significance (1 of 4 stars; one submission).

Conditions:
Inborn genetic diseases. Identifiers: MedGen C0950123, MeSH D030342.

gnomAD v4.1: 1 of 1,613,630 alleles (0.000062%); highest among the groups gnomAD compares: Admixed American, 0.0017%; no homozygotes.

Submission:

Ambry Genetics
Classification: Uncertain significance for Inborn genetic diseases. Last evaluated: 2025-03-31. Review status: criteria provided, single submitter. Criteria: Ambry Variant Classification Scheme 2023. Collection method: clinical testing. Allele origin: germline.
Comment: The p.D388E variant (also known as c.1164C>A), located in coding exon 10 of the ANKRD26 gene, results from a C to A substitution at nucleotide position 1164. The aspartic acid at codon 388 is replaced by glutamic acid, an amino acid with highly similar properties. This amino acid position is conserved. In addition, this alteration is predicted to be tolerated by in silico analysis. Based on the available evidence, the clinical significance of this variant remains unclear.